The following is an entry in ClinVar:

NM_004329.3(BMPR1A):c.-152-11T>G

Gene: BMPR1A (bone morphogenetic protein receptor type 1A; plus strand). Cytogenetic location: 10q23.2.
Variant type: single nucleotide variant.
Coding change: c.-152-11T>G on transcript NM_004329.3 (MANE Select); 11 bases into the intron before 152 bases upstream of the start codon, T replaced by G.
Molecular consequence: intron variant.
Genome position (GRCh38, 1-based): chr10:86,875,856, T>G. VCF-style: chr10-86875856-T-G. GRCh37 (hg19) VCF-style: chr10-88635613-T-G.
Identifiers: ClinVar variation 1692790 (VCV001692790.1), dbSNP rs748444119, ClinGen allele CA211238756.

ClinVar aggregate classification (germline): Uncertain significance (1 of 4 stars; one submission).

Conditions:
Hereditary cancer-predisposing syndrome. Also called: Hereditary neoplastic syndrome; Tumor predisposition; Neoplastic Syndromes, Hereditary; Hereditary Cancer Syndrome. Identifiers: Orphanet 140162, MedGen C0027672, MeSH D009386, MONDO:0015356.

Allele frequency attached by ClinVar (database versions not stated): gnomAD exomes below 0.00001.
gnomAD v4.1: 2 of 671,556 alleles (0.0003%); no homozygotes.

Submission:

Sema4
Classification: Uncertain significance for Hereditary cancer-predisposing syndrome. Last evaluated: 2022-02-24. Review status: criteria provided, single submitter. Criteria: Sema4 Curation Guidelines. Collection method: curation. Allele origin: germline.
Comment: The BMPR1A c.-152-11T>G variant has not been reported in the literature to our knowledge. It was not observed in the large and broad cohorts of the Genome Aggregation Database (PMID: 32461654), nor has it been reported in ClinVar. In silico tools suggest the variant may not disrupt normal splicing, however these predictions have not been confirmed by transcriptional studies. The evidence is insufficient to meet ACMG/AMP criteria for classifying the variant as benign or pathogenic. Thus, the clinical significance of this variant is currently uncertain.